The following is an entry in ClinVar:

NM_001014.5(RPS10):c.409G>A (p.Asp137Asn)

Genes: RPS10 (ribosomal protein S10; minus strand), RPS10-NUDT3 (RPS10-NUDT3 readthrough; minus strand). Cytogenetic location: 6p21.31.
Variant type: single nucleotide variant.
Coding change: c.409G>A on transcript NM_001014.5 (MANE Select); coding-DNA position 409, G replaced by A.
Protein change: p.Asp137Asn; replaces aspartic acid 137 with asparagine.
Molecular consequence: missense variant.
Genome position (GRCh38, 1-based): chr6:34,418,416, C>T on the plus strand (G>A on the coding strand, the complement: RPS10 is on the minus strand). VCF-style: chr6-34418416-C-T. GRCh37 (hg19) VCF-style: chr6-34386193-C-T.
Other names: c.409G>A, p.Asp137Asn (NM_001202470.3, NM_001203245.3, NM_001204091.2); short protein forms D137N.
Identifiers: ClinVar variation 2716893 (VCV002716893.4), dbSNP rs768038583, ClinGen allele CA3765017.

ClinVar aggregate classification (germline): Uncertain significance. Review status: criteria provided, multiple submitters, no conflicts (2 of 4 stars). 2 submissions from 2 submitters: Uncertain significance (2). Last evaluated 2024-01-19.

Conditions:
Diamond-Blackfan anemia. Also called: Blackfan Diamond syndrome; Aregenerative anemia chronic congenital; Red cell aplasia, pure hereditary; Congenital hypoplastic anemia; Aase syndrome. Identifiers: Orphanet 124, MedGen C1260899, MeSH D029503, MONDO:0015253, HP:0004810.

Allele frequency attached by ClinVar (database versions not stated): gnomAD exomes below 0.00001; ExAC 0.00001.
gnomAD v4.1: 5 of 1,614,142 alleles (0.00031%); highest among the groups gnomAD compares: African/African-American, 0.0013%; no homozygotes.

Submissions (2):

Ambry Genetics
Classification: Uncertain significance. Last evaluated: 2024-01-19. Review status: criteria provided, single submitter. Criteria: Ambry Variant Classification Scheme 2023. Collection method: clinical testing. Allele origin: germline.

Labcorp Genetics (formerly Invitae), Labcorp
Classification: Uncertain significance for Diamond-Blackfan anemia. Last evaluated: 2022-12-20. Review status: criteria provided, single submitter. Criteria: Invitae Variant Classification Sherloc (09022015). Collection method: clinical testing. Allele origin: germline.
Comment: In summary, the available evidence is currently insufficient to determine the role of this variant in disease. Therefore, it has been classified as a Variant of Uncertain Significance. Algorithms developed to predict the effect of missense changes on protein structure and function are either unavailable or do not agree on the potential impact of this missense change (SIFT: "Deleterious"; PolyPhen-2: "Benign"; Align-GVGD: "Class C0"). This variant has not been reported in the literature in individuals affected with RPS10-related conditions. This variant is present in population databases (rs768038583, gnomAD 0.01%). This sequence change replaces aspartic acid, which is acidic and polar, with asparagine, which is neutral and polar, at codon 137 of the RPS10 protein (p.Asp137Asn).